The following is an entry in ClinVar:

NM_000020.3(ACVRL1):c.948G>C (p.Glu316Asp)

Gene: ACVRL1 (activin A receptor like type 1; plus strand). Cytogenetic location: 12q13.13.
Variant type: single nucleotide variant.
Coding change: c.948G>C on transcript NM_000020.3 (MANE Select); coding-DNA position 948, G replaced by C.
Protein change: p.Glu316Asp; replaces glutamic acid 316 with aspartic acid.
Molecular consequence: missense variant.
Genome position (GRCh38, 1-based): chr12:51,915,400, G>C. VCF-style: chr12-51915400-G-C. GRCh37 (hg19) VCF-style: chr12-52309184-G-C.
Other names: c.948G>C, p.Glu316Asp (NM_001077401.2); short protein forms E316D.
Identifiers: ClinVar variation 982491 (VCV000982491.5), dbSNP rs145300204, ClinGen allele CA6573023.
Genomic context (GRCh38, chr12:51,915,400, plus strand): 5'-CCATCTGGCTCTGAGGCTAGCTGTGTCCGCGGCATGCGGCCTGGCGCACCTGCACGTGGA[G>C]ATCTTCGGTACACAGGGCAAACCAGCCATTGCCCACCGCGACTTCAAGAGCCGCAATGTG-3'
Protein context (NP_000011.2, residues 306-326): AACGLAHLHV[Glu316Asp]IFGTQGKPAI

ClinVar aggregate classification (germline): Conflicting classifications of pathogenicity. Review status: criteria provided, conflicting classifications (1 of 4 stars). 3 submissions from 3 submitters: Uncertain significance (1); Likely benign (2). Last evaluated 2025-08-06.

Conditions:
Cardiovascular phenotype. Identifiers: MedGen CN230736.
Telangiectasia, hereditary hemorrhagic, type 2 (HHT2). Also called: Telangiectasia, hereditary hemorrhagic, type II; ACVRL1-Related Hereditary Hemorrhagic Telangiectasia. Identifiers: Orphanet 774, MedGen C1838163, MONDO:0010880, OMIM 600376. Disease mechanism: loss of function.

Allele frequency attached by ClinVar (database versions not stated): gnomAD 0.00003 and 0.00004; ExAC 0.00004; TOPMed 0.00004; gnomAD exomes 0.00006; ESP Exome Variant Server 0.00015.
gnomAD v4.1: 203 of 1,613,832 alleles (0.013%); highest among the groups gnomAD compares: Non-Finnish European, 0.016%; no homozygotes.

Submissions (3):

Ambry Genetics
Classification: Likely benign for Cardiovascular phenotype. Last evaluated: 2025-08-06. Review status: criteria provided, single submitter. Criteria: Ambry Variant Classification Scheme 2023. Collection method: clinical testing. Allele origin: germline.

Labcorp Genetics (formerly Invitae), Labcorp
Classification: Uncertain significance for Telangiectasia, hereditary hemorrhagic, type 2. Last evaluated: 2022-01-17. Review status: criteria provided, single submitter. Criteria: Invitae Variant Classification Sherloc (09022015). Collection method: clinical testing. Allele origin: germline.
Comment: This sequence change replaces glutamic acid, which is acidic and polar, with aspartic acid, which is acidic and polar, at codon 316 of the ACVRL1 protein (p.Glu316Asp). This variant is present in population databases (rs145300204, gnomAD 0.01%). This missense change has been observed in individual(s) with hereditary hemorrhagic telangiectasia and/or pulmonary arterial hypertension (PMID: 32573726; Invitae). ClinVar contains an entry for this variant (Variation ID: 982491). Advanced modeling of protein sequence and biophysical properties (such as structural, functional, and spatial information, amino acid conservation, physicochemical variation, residue mobility, and thermodynamic stability) performed at Invitae indicates that this missense variant is expected to disrupt ACVRL1 protein function. In summary, the available evidence is currently insufficient to determine the role of this variant in disease. Therefore, it has been classified as a Variant of Uncertain Significance.

NIHR Bioresource Rare Diseases, University of Cambridge
Classification: Likely benign for Telangiectasia, hereditary hemorrhagic, type 2. Last evaluated: 2018-01-01. Review status: criteria provided, single submitter. Criteria: ACMG Guidelines, 2015. Collection method: research. Allele origin: unknown. Affected: yes. Observed: 1 variant allele.
Comment: BS1 +BP2

Literature cited by the submitters: PubMed 32573726 (cited by 3 submitters).